The following is an entry in ClinVar:

ClinVar aggregate classification (germline): Uncertain significance. Review status: criteria provided, single submitter (1 of 4 stars). 2 submissions from 2 submitters: Uncertain significance (1). 1 of the submissions does not count toward it. Last evaluated 2024-03-06.

Conditions:
Epidermolysis bullosa dystrophica. Also called: Dystrophic epidermolysis bullosa, Hallopeau-Siemens type (formerly); Dystrophic epidermolysis bullosa. Identifiers: Orphanet 303, MedGen C0079294, MONDO:0006543.

gnomAD v4.1: 2 of 1,614,058 alleles (0.00012%); highest among the groups gnomAD compares: Middle Eastern, 0.016%; no homozygotes.

Submissions (2):

Labcorp Genetics (formerly Invitae), Labcorp
Classification: Uncertain significance. Last evaluated: 2024-03-06. Review status: criteria provided, single submitter. Criteria: Invitae Variant Classification Sherloc (09022015). Collection method: clinical testing. Allele origin: germline.
Comment: This sequence change replaces proline, which is neutral and non-polar, with serine, which is neutral and polar, at codon 2875 of the COL7A1 protein (p.Pro2875Ser). This variant is present in population databases (no rsID available, gnomAD 0.01%). This variant has not been reported in the literature in individuals affected with COL7A1-related conditions. An algorithm developed to predict the effect of missense changes on protein structure and function (PolyPhen-2) suggests that this variant is likely to be tolerated. In summary, the available evidence is currently insufficient to determine the role of this variant in disease. Therefore, it has been classified as a Variant of Uncertain Significance.

Natera, Inc.
Classification: Uncertain significance for Dystrophic epidermolysis bullosa. Last evaluated: 2025-02-03. Review status: no assertion criteria provided. Collection method: clinical testing. Allele origin: germline. Not counted in ClinVar's aggregate classification.

NM_000094.4(COL7A1):c.8623C>T (p.Pro2875Ser)

Gene: COL7A1 (collagen type VII alpha 1 chain; minus strand). Cytogenetic location: 3p21.31.
Variant type: single nucleotide variant.
Coding change: c.8623C>T on transcript NM_000094.4 (MANE Select); coding-DNA position 8623, C replaced by T.
Protein change: p.Pro2875Ser; replaces proline 2875 with serine.
Molecular consequence: missense variant.
Genome position (GRCh38, 1-based): chr3:48,564,978, G>A on the plus strand (C>T on the coding strand, the complement: COL7A1 is on the minus strand). VCF-style: chr3-48564978-G-A. GRCh37 (hg19) VCF-style: chr3-48602411-G-A.
Other names: short protein forms P2875S.
Identifiers: ClinVar variation 3710247 (VCV003710247.3).
Genomic context (GRCh38, chr3:48,564,978, plus strand): 5'-GATGGTACCAGCGCAGGGTGTAGGCAGTGCAGGAGCCCTCATCCAGTGGCAGGGAACAGG[G>A]GTCTGGGCCAATGGGGTCAAGTCAGCAGGGTTTGTGGGAATCAGAGAGGGTTGAAAGGTC-3'
Protein context (NP_000085.1, residues 2865-2885): DPEAPWDSDD[Pro2875Ser]CSLPLDEGSC